The following is an entry in ClinVar:

NM_000047.3(ARSL):c.337C>T (p.Leu113Phe)

Gene: ARSL (arylsulfatase L; minus strand). Cytogenetic location: Xp22.33.
Variant type: single nucleotide variant.
Coding change: c.337C>T on transcript NM_000047.3 (MANE Select); coding-DNA position 337, C replaced by T.
Protein change: p.Leu113Phe; replaces leucine 113 with phenylalanine.
Molecular consequence: missense variant.
Genome position (GRCh38, 1-based): chrX:2,953,236, G>A on the plus strand (C>T on the coding strand, the complement: ARSL is on the minus strand). VCF-style: chrX-2953236-G-A. GRCh37 (hg19) VCF-style: chrX-2871277-G-A.
Other names: c.412C>T, p.Leu138Phe (NM_001282628.2, NM_001369080.1); c.175C>T, p.Leu59Phe (NM_001282631.2); c.364C>T, p.Leu122Phe (NM_001369079.1); short protein forms L113F, L59F, L122F, L138F.
Identifiers: ClinVar variation 157732 (VCV000157732.11), dbSNP rs145946864, ClinGen allele CA270983.
Genomic context (GRCh38, chrX:2,953,236, plus strand): 5'-GTATTTTTGCAAAAGTTGTCTCATTTGTTGGAAGACCTCCAGATGCTCCGGTCCACTGAA[G>A]AACACGGTAACCAATGCTGGAAACCATCCCTTTGAGCAATTATTAAGAGAAAGAATTACT-3'
Protein context (NP_000038.2, residues 103-123): GMVSSIGYRV[Leu113Phe]QWTGASGGLP

ClinVar aggregate classification (germline): Conflicting classifications of pathogenicity. Review status: criteria provided, conflicting classifications (1 of 4 stars). 3 submissions from 3 submitters: Likely pathogenic (1); Uncertain significance (2). Last evaluated 2024-05-29.

Conditions:
X-linked chondrodysplasia punctata 1 (CDPX1). Also called: Chondrodysplasia punctata, X-linked recessive; CHONDRODYSPLASIA PUNCTATA, BRACHYTELEPHALANGIC. Identifiers: Orphanet 79345, MedGen C3669395, MONDO:0010555, OMIM 302950.

Allele frequency attached by ClinVar (database versions not stated): ExAC 0.00001; gnomAD 0.00001; gnomAD exomes 0.00001; TOPMed 0.00001; ESP Exome Variant Server 0.00009.

Submissions (3):

GeneDx
Classification: Uncertain significance. Last evaluated: 2024-05-29. Review status: criteria provided, single submitter. Criteria: GeneDx Variant Classification Process June 2021. Collection method: clinical testing. Allele origin: germline. Affected: yes.
Comment: Not observed at significant frequency in large population cohorts (gnomAD); In silico analysis supports that this missense variant has a deleterious effect on protein structure/function; Has not been previously published as pathogenic or benign to our knowledge; In silico analysis supports that this missense variant has a deleterious effect on splicing

Blueprint Genetics
Classification: Uncertain significance. Last evaluated: 2019-01-31. Review status: criteria provided, single submitter. Criteria: ACMG Guidelines, 2015. Collection method: clinical testing. Allele origin: germline.

Genetic Services Laboratory, University of Chicago
Classification: Likely pathogenic for Chondrodysplasia punctata 1, X-linked recessive. Last evaluated: 2013-02-08. Review status: criteria provided, single submitter. Criteria: ACMG Guidelines, 2007. Collection method: clinical testing. Allele origin: germline. Inheritance: X-linked inheritance. Affected: yes.